The following is an entry in ClinVar:

ClinVar aggregate classification (germline): Uncertain significance. Review status: criteria provided, multiple submitters, no conflicts (2 of 4 stars). 2 submissions from 2 submitters: Uncertain significance (2). Last evaluated 2025-11-11.

Conditions:
CASP10-related disorder. Also called: CASP10-related condition.
Autoimmune lymphoproliferative syndrome type 2A (ALPS2A). Also called: AUTOIMMUNE LYMPHOPROLIFERATIVE SYNDROME, TYPE IIA; Autoimmune lymphoproliferative syndrome type 2; CASP10-Related Autoimmune Lymphoproliferative Syndrome. Identifiers: Orphanet 3261, MedGen C1858968, MONDO:0011383, OMIM 603909.

Allele frequency attached by ClinVar (database versions not stated): gnomAD 0.00001 and 0.00003; ExAC 0.00002; gnomAD exomes 0.00002; TOPMed 0.00003; 1000 Genomes Project 30x 0.00016; 1000 Genomes Project 0.00020.

Submissions (2):

Labcorp Genetics (formerly Invitae), Labcorp
Classification: Uncertain significance for Autoimmune lymphoproliferative syndrome type 2A. Last evaluated: 2025-11-11. Review status: criteria provided, single submitter. Criteria: Invitae Variant Classification Sherloc (09022015). Collection method: clinical testing. Allele origin: germline.
Comment: This sequence change replaces threonine, which is neutral and polar, with methionine, which is neutral and non-polar, at codon 328 of the CASP10 protein (p.Thr328Met). This variant is present in population databases (rs200424779, gnomAD 0.007%). This variant has not been reported in the literature in individuals affected with CASP10-related conditions. ClinVar contains an entry for this variant (Variation ID: 1060194). Invitae Evidence Modeling of protein sequence and biophysical properties (such as structural, functional, and spatial information, amino acid conservation, physicochemical variation, residue mobility, and thermodynamic stability) has been performed for this missense variant. However, the output from this modeling did not meet the statistical confidence thresholds required to predict the impact of this variant on CASP10 protein function. In summary, the available evidence is currently insufficient to determine the role of this variant in disease. Therefore, it has been classified as a Variant of Uncertain Significance.

PreventionGenetics, part of Exact Sciences
Classification: Uncertain significance for CASP10-related condition. Last evaluated: 2025-02-19. Review status: criteria provided, single submitter. Criteria: ACMG Guidelines, 2015. Collection method: clinical testing. Allele origin: germline.
Comment: The CASP10 c.983C>T variant is predicted to result in the amino acid substitution p.Thr328Met. To our knowledge, this variant has not been reported in the literature. This variant is reported in 0.0065% of alleles in individuals of South Asian descent in gnomAD. At this time, the clinical significance of this variant is uncertain due to the absence of conclusive functional and genetic evidence.

NM_032977.4(CASP10):c.983C>T (p.Thr328Met)

Gene: CASP10 (caspase 10; plus strand). Cytogenetic location: 2q33.1.
Variant type: single nucleotide variant.
Coding change: c.983C>T on transcript NM_032977.4 (MANE Select); coding-DNA position 983, C replaced by T.
Protein change: p.Thr328Met; replaces threonine 328 with methionine.
Molecular consequence: missense variant. On other transcripts: 3 prime UTR variant (1).
Genome position (GRCh38, 1-based): chr2:201,209,130, C>T. VCF-style: chr2-201209130-C-T. GRCh37 (hg19) VCF-style: chr2-202073853-C-T.
Other names: c.782C>T, p.Thr261Met (NM_001206524.2); c.854C>T, p.Thr285Met (NM_001206542.2, NM_001230.5); c.983C>T, p.Thr328Met (NM_032974.5); c.*69C>T (NM_032976.4); c.983C>T (NM_032977.3); short protein forms T261M, T285M, T328M.
Identifiers: ClinVar variation 1060194 (VCV001060194.12), dbSNP rs200424779, ClinGen allele CA2053156.